The following is an entry in ClinVar:

ClinVar aggregate classification (germline): Uncertain significance (1 of 4 stars; one submission).

Conditions:
Hereditary cancer-predisposing syndrome. Also called: Neoplastic Syndromes, Hereditary; Tumor predisposition; Hereditary neoplastic syndrome; Hereditary Cancer Syndrome. Identifiers: Orphanet 140162, MedGen C0027672, MeSH D009386, MONDO:0015356.

Submission:

Ambry Genetics
Classification: Uncertain significance for Hereditary cancer-predisposing syndrome. Last evaluated: 2025-04-03. Review status: criteria provided, single submitter. Criteria: Ambry Variant Classification Scheme 2023. Collection method: clinical testing. Allele origin: germline.
Comment: The c.-6_-5delAGinsCA variant, located in in the 5' untranslated region (5&rsquo;UTR) of the FH gene, results from the deletion of two nucleotides and the insertion of two nucleotides at nucleotide positions -6 to -5 upstream from the first translated codon. This nucleotide region is poorly conserved in available vertebrate species. Since supporting evidence is limited at this time, the clinical significance of this alteration remains unclear.

NM_000143.4(FH):c.-6_-5delinsCA

Gene: FH (fumarate hydratase; minus strand). Cytogenetic location: 1q43.
Variant type: Indel.
Coding change: c.-6_-5delinsCA on transcript NM_000143.4 (MANE Select); 6 bases upstream of the start codon through 5 bases upstream of the start codon, AG replaced by CA.
Molecular consequence: 5 prime UTR variant.
Genome position (GRCh38, 1-based): chr1:241,519,727-241,519,728, CT replaced by TG on the plus strand (AG replaced by CA on the coding strand, the reverse complement: FH is on the minus strand). VCF-style: chr1-241519727-CT-TG. GRCh37 (hg19) VCF-style: chr1-241683027-CT-TG.
Identifiers: ClinVar variation 2452782 (VCV002452782.3), dbSNP rs2527345996, ClinGen allele CA2580063568.